The following is an entry in ClinVar:

ClinVar aggregate classification (germline): Uncertain significance (1 of 4 stars; one submission).

Submission:

Ambry Genetics
Classification: Uncertain significance. Last evaluated: 2025-01-25. Review status: criteria provided, single submitter. Criteria: Ambry Variant Classification Scheme 2023. Collection method: clinical testing. Allele origin: germline.
Comment: The p.N160H variant (also known as c.478A>C), located in coding exon 4 of the SRP72 gene, results from an A to C substitution at nucleotide position 478. The asparagine at codon 160 is replaced by histidine, an amino acid with similar properties. This amino acid position is conserved. In addition, this alteration is predicted to be tolerated by in silico analysis. Based on the available evidence, the clinical significance of this variant remains unclear.

NM_006947.4(SRP72):c.478A>C (p.Asn160His)

Gene: SRP72 (signal recognition particle 72; plus strand). Cytogenetic location: 4q12.
Variant type: single nucleotide variant.
Coding change: c.478A>C on transcript NM_006947.4 (MANE Select); coding-DNA position 478, A replaced by C.
Protein change: p.Asn160His; replaces asparagine 160 with histidine.
Molecular consequence: missense variant. On other transcripts: non-coding transcript variant (1).
Genome position (GRCh38, 1-based): chr4:56,474,177, A>C. VCF-style: chr4-56474177-A-C. GRCh37 (hg19) VCF-style: chr4-57340343-A-C.
Other names: c.478A>C, p.Asn160His (NM_001267722.2); short protein forms N160H.
Identifiers: ClinVar variation 3801463 (VCV003801463.1).